The following is an entry in ClinVar:

NM_012179.4(FBXO7):c.726_727del (p.Cys243fs)

Gene: FBXO7 (F-box protein 7; plus strand). Cytogenetic location: 22q12.3.
Variant type: Microsatellite.
Coding change: c.726_727del on transcript NM_012179.4 (MANE Select); coding-DNA positions 726 to 727, 2 bases deleted (CT; older notation c.726_727delCT).
Protein change: p.Cys243fs; shifts the reading frame from cysteine 243.
Molecular consequence: frameshift variant.
Genome position (GRCh38, 1-based): chr22:32,485,148-32,485,149, CT deleted; deleting any 2 consecutive bases within chr22:32,485,144-32,485,149 gives the same sequence; the c. name uses the placement nearest the transcript's 3' end. VCF-style (leftmost placement, unchanged base first): chr22-32485143-CCT-C. GRCh37 (hg19) VCF-style: chr22-32881130-CCT-C.
Other names: c.489_490del, p.Cys164fs (NM_001033024.2); c.384_385del, p.Cys129fs (NM_001257990.2); short protein forms C164fs, C129fs, C243fs.
Identifiers: ClinVar variation 631890 (VCV000631890.10), dbSNP rs1290655316, ClinGen allele CA639100228.

ClinVar aggregate classification (germline): Pathogenic/Likely pathogenic. Review status: criteria provided, multiple submitters, no conflicts (2 of 4 stars). 3 submissions from 3 submitters: Pathogenic (1); Likely pathogenic (2). Last evaluated 2024-12-31.

Conditions:
FBXO7-related disorder. Also called: FBXO7-related condition.
Parkinsonian-pyramidal syndrome. Also called: PARKINSON DISEASE 15, AUTOSOMAL RECESSIVE; PALLIDOPYRAMIDAL SYNDROME; PARKINSON DISEASE 15, AUTOSOMAL RECESSIVE EARLY-ONSET. Identifiers: Orphanet 171695, MedGen C1850100, MONDO:0009830, OMIM 260300.

Submissions (3):

PreventionGenetics, part of Exact Sciences
Classification: Likely pathogenic for FBXO7-related condition. Last evaluated: 2024-12-31. Review status: criteria provided, single submitter. Criteria: ACMG Guidelines, 2015. Collection method: clinical testing. Allele origin: germline.
Comment: The FBXO7 c.726_727delCT variant is predicted to result in a frameshift and premature protein termination (p.Cys243Argfs*27). To our knowledge, this variant has not been reported in the literature. This variant is reported in 0.00088% of alleles in individuals of European (Non-Finnish) descent in gnomAD. Frameshift variants in FBXO7 are expected to be pathogenic. This variant is interpreted as likely pathogenic.

Labcorp Genetics (formerly Invitae), Labcorp
Classification: Pathogenic for Parkinsonian-pyramidal syndrome. Last evaluated: 2023-11-17. Review status: criteria provided, single submitter. Criteria: Invitae Variant Classification Sherloc (09022015). Collection method: clinical testing. Allele origin: germline.
Comment: This sequence change creates a premature translational stop signal (p.Cys243Argfs*27) in the FBXO7 gene. It is expected to result in an absent or disrupted protein product. Loss-of-function variants in FBXO7 are known to be pathogenic (PMID: 21347293). This variant is present in population databases (no rsID available, gnomAD 0.0009%). This variant has not been reported in the literature in individuals affected with FBXO7-related conditions. For these reasons, this variant has been classified as Pathogenic.

AiLife Diagnostics
Classification: Likely pathogenic. Last evaluated: 2022-03-29. Review status: criteria provided, single submitter. Criteria: ACMG Guidelines, 2015. Collection method: clinical testing. Allele origin: germline. Affected: yes. Observed: 1 variant allele.

Literature cited by the submitters: PubMed 21347293 (cited by Labcorp Genetics (formerly Invitae), Labcorp).